The following is an entry in ClinVar:

NM_022552.5(DNMT3A):c.1189A>G (p.Lys397Glu)

Gene: DNMT3A (DNA methyltransferase 3 alpha; minus strand). Cytogenetic location: 2p23.3.
Variant type: single nucleotide variant.
Coding change: c.1189A>G on transcript NM_022552.5 (MANE Select); coding-DNA position 1189, A replaced by G.
Protein change: p.Lys397Glu; replaces lysine 397 with glutamic acid.
Molecular consequence: missense variant. On other transcripts: non-coding transcript variant (1).
Genome position (GRCh38, 1-based): chr2:25,246,710, T>C on the plus strand (A>G on the coding strand, the complement: DNMT3A is on the minus strand). VCF-style: chr2-25246710-T-C. GRCh37 (hg19) VCF-style: chr2-25469579-T-C.
Other names: c.733A>G, p.Lys245Glu (NM_001320893.1); c.520A>G, p.Lys174Glu (NM_001375819.1); c.622A>G, p.Lys208Glu (NM_153759.3); c.1189A>G, p.Lys397Glu (NM_175629.2); short protein forms K397E, K208E, K245E, K174E.
Identifiers: ClinVar variation 4013926 (VCV004013926.1).
Genomic context (GRCh38, chr2:25,246,710, plus strand): 5'-AAGGCTGGAAGCCCCCCAGGGCCCATTCAATCATGGGCTTGTTCTGCACCTCCACGGCCT[T>C]GGCAGTGTCACTCTCATCGCTGTCGTGGCACACCGGGAACAGCTTCCCCGCGCGGCTGCT-3'
Protein context (NP_072046.2, residues 387-407): CHDSDESDTA[Lys397Glu]AVEVQNKPMI

ClinVar aggregate classification (germline): Uncertain significance (1 of 4 stars; one submission).

Conditions:
Inborn genetic diseases. Identifiers: MedGen C0950123, MeSH D030342.

Submission:

Ambry Genetics
Classification: Uncertain significance for Inborn genetic diseases. Last evaluated: 2025-05-08. Review status: criteria provided, single submitter. Criteria: Ambry Variant Classification Scheme 2023. Collection method: clinical testing. Allele origin: germline.
Comment: The p.K397E variant (also known as c.1189A>G), located in coding exon 9 of the DNMT3A gene, results from an A to G substitution at nucleotide position 1189. The lysine at codon 397 is replaced by glutamic acid, an amino acid with similar properties. This amino acid position is conserved. In addition, the in silico prediction for this alteration is inconclusive. Based on the available evidence, the clinical significance of this variant remains unclear.